The following is an entry in ClinVar:

NM_014915.3(ANKRD26):c.3857A>G (p.Lys1286Arg)

Gene: ANKRD26 (ankyrin repeat domain 26; minus strand). Cytogenetic location: 10p12.1.
Variant type: single nucleotide variant.
Coding change: c.3857A>G on transcript NM_014915.3 (MANE Select); coding-DNA position 3857, A replaced by G.
Protein change: p.Lys1286Arg; replaces lysine 1286 with arginine.
Molecular consequence: missense variant.
Genome position (GRCh38, 1-based): chr10:27,029,307, T>C on the plus strand (A>G on the coding strand, the complement: ANKRD26 is on the minus strand). VCF-style: chr10-27029307-T-C. GRCh37 (hg19) VCF-style: chr10-27318236-T-C.
Other names: c.3854A>G, p.Lys1285Arg (NM_001256053.2); short protein forms K1285R, K1286R.
Identifiers: ClinVar variation 3364683 (VCV003364683.2).
Genomic context (GRCh38, chr10:27,029,307, plus strand): 5'-AAATAATCATGTTTTTCTGTGTGCTGCTTTAAATTTTACTTTTGCTTGTGATCTTGCATC[T>C]TCTCAGCACATCTGACAGCTTCTGTATGTCGATCCTGTGCTTCTTGCAACTAAAACAAAG-3'
Protein context (NP_055730.2, residues 1276-1296): RHTEAVRCAE[Lys1286Arg]MQDHKQKLEK

ClinVar aggregate classification (germline): Uncertain significance. Review status: criteria provided, multiple submitters, no conflicts (2 of 4 stars). 2 submissions from 2 submitters: Uncertain significance (2). Last evaluated 2025-10-14.

Conditions:
Inborn genetic diseases. Identifiers: MedGen C0950123, MeSH D030342.

Submissions (2):

Ambry Genetics
Classification: Uncertain significance for Inborn genetic diseases. Last evaluated: 2025-10-14. Review status: criteria provided, single submitter. Criteria: Ambry Variant Classification Scheme 2023. Collection method: clinical testing. Allele origin: germline.
Comment: The p.K1286R variant (also known as c.3857A>G), located in coding exon 26 of the ANKRD26 gene, results from an A to G substitution at nucleotide position 3857. The lysine at codon 1286 is replaced by arginine, an amino acid with highly similar properties. This amino acid position is conserved. In addition, this alteration is predicted to be tolerated by in silico analysis. Based on the available evidence, the clinical significance of this variant remains unclear.

GeneDx
Classification: Uncertain significance. Last evaluated: 2023-11-21. Review status: criteria provided, single submitter. Criteria: GeneDx Variant Classification Process June 2021. Collection method: clinical testing. Allele origin: germline. Affected: yes.
Comment: Not observed at significant frequency in large population cohorts (gnomAD); In silico analysis supports that this missense variant does not alter protein structure/function; Has not been previously published as pathogenic or benign to our knowledge